The following is an entry in ClinVar:

NM_005902.4(SMAD3):c.714C>T (p.Tyr238=)

Gene: SMAD3 (SMAD family member 3; plus strand). Cytogenetic location: 15q22.33.
Variant type: single nucleotide variant.
Coding change: c.714C>T on transcript NM_005902.4 (MANE Select); coding-DNA position 714, C replaced by T.
Protein change: p.Tyr238=; no amino-acid change (tyrosine 238 retained).
Molecular consequence: synonymous variant.
Genome position (GRCh38, 1-based): chr15:67,181,296, C>T. VCF-style: chr15-67181296-C-T. GRCh37 (hg19) VCF-style: chr15-67473634-C-T.
Other names: c.399C>T, p.Tyr133= (NM_001145102.2); c.582C>T, p.Tyr194= (NM_001145103.2); c.129C>T, p.Tyr43= (NM_001145104.2).
Identifiers: ClinVar variation 413482 (VCV000413482.25), dbSNP rs149443777, ClinGen allele CA062600.

ClinVar aggregate classification (germline): Likely benign. Review status: criteria provided, multiple submitters, no conflicts (2 of 4 stars). 8 submissions from 8 submitters: Likely benign (7). 1 of the submissions does not count toward it. Last evaluated 2026-02-03.

Conditions:
SMAD3-related disorder. Also called: SMAD3-related condition.
Familial thoracic aortic aneurysm and aortic dissection (TAAD). Also called: Thoracic aortic aneurysms and dissections. Identifiers: Orphanet 91387, MedGen C4707243, MONDO:0019625.
Aneurysm-osteoarthritis syndrome. Also called: Loeys-Dietz syndrome, type 1C; LOEYS-DIETZ SYNDROME WITH OSTEOARTHRITIS; SMAD3-Related Loeys-Dietz Syndrome; ANEURYSMS-OSTEOARTHRITIS SYNDROME. Identifiers: Orphanet 284984, MedGen C3151087, MONDO:0013426, OMIM 613795.

Allele frequency attached by ClinVar (database versions not stated): gnomAD exomes 0.00002 and 0.00006; ExAC 0.00005; gnomAD 0.00007 and 0.00009; ESP Exome Variant Server 0.00008; TOPMed 0.00008.
gnomAD v4.1: 57 of 1,613,866 alleles (0.0035%); highest among the groups gnomAD compares: East Asian, 0.06%; no homozygotes.

Submissions (8):

Labcorp Genetics (formerly Invitae), Labcorp
Classification: Likely benign for Familial thoracic aortic aneurysm and aortic dissection. Last evaluated: 2026-02-03. Review status: criteria provided, single submitter. Criteria: Invitae Variant Classification Sherloc (09022015). Collection method: clinical testing. Allele origin: germline.

Blueprint Genetics
Classification: Likely benign. Last evaluated: 2024-09-20. Review status: criteria provided, single submitter. Criteria: ACMG Guidelines, 2015. Collection method: clinical testing. Allele origin: germline.

All of Us Research Program, National Institutes of Health
Classification: Likely benign for Aneurysm-osteoarthritis syndrome. Last evaluated: 2023-12-01. Review status: criteria provided, single submitter. Criteria: ACMG Guidelines, 2015. Collection method: clinical testing. Allele origin: germline. Inheritance: Autosomal dominant inheritance. Observed: 12 variant alleles, 12 heterozygotes.
Comment: This study involves interpretation of variants in research participants for the purpose of population health screening. Participant phenotype was not available at the time of variant classification. Additional details can be found in publication PMID: 35346344, PMCID: PMC8962531

CHEO Genetics Diagnostic Laboratory, Children's Hospital of Eastern Ontario
Classification: Likely benign for Familial thoracic aortic aneurysm and aortic dissection. Last evaluated: 2019-09-30. Review status: criteria provided, single submitter. Criteria: ACMG Guidelines, 2015. Collection method: clinical testing. Allele origin: germline.

Color Diagnostics, LLC DBA Color Health
Classification: Likely benign for Familial thoracic aortic aneurysm and aortic dissection. Last evaluated: 2018-10-30. Review status: criteria provided, single submitter. Criteria: ACMG Guidelines, 2015. Collection method: clinical testing. Allele origin: germline.

GeneDx
Classification: Likely benign. Last evaluated: 2018-04-24. Review status: criteria provided, single submitter. Criteria: GeneDx Variant Classification (06012015). Collection method: clinical testing. Allele origin: germline. Affected: yes.
Comment: This variant is considered likely benign or benign based on one or more of the following criteria: it is a conservative change, it occurs at a poorly conserved position in the protein, it is predicted to be benign by multiple in silico algorithms, and/or has population frequency not consistent with disease.

Ambry Genetics
Classification: Likely benign for Familial thoracic aortic aneurysm and aortic dissection. Last evaluated: 2017-04-03. Review status: criteria provided, single submitter. Criteria: Ambry Variant Classification Scheme 2023. Collection method: clinical testing. Allele origin: germline.

PreventionGenetics, part of Exact Sciences
Classification: Likely benign for SMAD3-related condition. Last evaluated: 2019-03-15. Review status: no assertion criteria provided. Collection method: clinical testing. Allele origin: germline. Not counted in ClinVar's aggregate classification.
Comment: This variant is classified as likely benign based on ACMG/AMP sequence variant interpretation guidelines (Richards et al. 2015 PMID: 25741868, with internal and published modifications).